The following is an entry in ClinVar:

ClinVar aggregate classification (germline): Uncertain significance (1 of 4 stars; one submission).

Conditions:
Long QT syndrome (LQTS). Identifiers: MedGen C0023976, MeSH D008133, MONDO:0002442. Disease mechanism: loss of function. Inheritance: Various modes of inheritance.

gnomAD v4.1: 2 of 1,612,406 alleles (0.00012%); highest among the groups gnomAD compares: African/African-American, 0.0013%; no homozygotes.

Submission:

Labcorp Genetics (formerly Invitae), Labcorp
Classification: Uncertain significance for Long QT syndrome. Last evaluated: 2024-10-10. Review status: criteria provided, single submitter. Criteria: Invitae Variant Classification Sherloc (09022015). Collection method: clinical testing. Allele origin: germline.
Comment: This sequence change affects a donor splice site in intron 47 of the AKAP9 gene. It is expected to disrupt RNA splicing. Variants that disrupt the donor or acceptor splice site typically lead to a loss of protein function (PMID: 16199547), however the current clinical and genetic evidence is not sufficient to establish whether loss-of-function variants in AKAP9 cause disease. This variant is present in population databases (rs777896862, gnomAD 0.007%). This variant has not been reported in the literature in individuals affected with AKAP9-related conditions. Algorithms developed to predict the effect of sequence changes on RNA splicing suggest that this variant may disrupt the consensus splice site. In summary, the available evidence is currently insufficient to determine the role of this variant in disease. Therefore, it has been classified as a Variant of Uncertain Significance.

Literature cited by the submitters: PubMed 16199547.

NM_005751.5(AKAP9):c.11416+1G>A

Gene: AKAP9 (A-kinase anchoring protein 9; plus strand). Cytogenetic location: 7q21.2.
Variant type: single nucleotide variant.
Coding change: c.11416+1G>A on transcript NM_005751.5 (MANE Select); the canonical splice donor site of the intron after coding-DNA position 11416, G replaced by A.
Molecular consequence: splice donor variant.
Genome position (GRCh38, 1-based): chr7:92,105,764, G>A. VCF-style: chr7-92105764-G-A. GRCh37 (hg19) VCF-style: chr7-91735078-G-A.
Other names: c.11392+1G>A (NM_147185.3); c.6061+1G>A (NM_001379277.1).
Identifiers: ClinVar variation 3722629 (VCV003722629.2).
Genomic context (GRCh38, chr7:92,105,764, plus strand): 5'-ATCGAGTCACAGGTTCTGTTTCCATCAATATTAACAGAGATGGCTTTGGACTGAATCAAG[G>A]TGAAGTCAAAATAGCATATTTTCTTATGTTTATGACTCTCTAAATCAGAGGTCCCCCACC-3'